The following is an entry in ClinVar:

NM_138387.4(G6PC3):c.823C>G (p.Arg275Gly)

Gene: G6PC3 (glucose-6-phosphatase catalytic subunit 3; plus strand). Cytogenetic location: 17q21.31.
Variant type: single nucleotide variant.
Coding change: c.823C>G on transcript NM_138387.4 (MANE Select); coding-DNA position 823, C replaced by G.
Protein change: p.Arg275Gly; replaces arginine 275 with glycine.
Molecular consequence: missense variant. On other transcripts: 3 prime UTR variant (1).
Genome position (GRCh38, 1-based): chr17:44,075,825, C>G. VCF-style: chr17-44075825-C-G. GRCh37 (hg19) VCF-style: chr17-42153193-C-G.
Other names: c.*116C>G (NM_001319945.2); c.478C>G, p.Arg160Gly (NM_001384165.1, NM_001384166.1, NM_001384167.1 and 1 more transcripts); short protein forms R275G, R160G.
Identifiers: ClinVar variation 2007742 (VCV002007742.1), dbSNP rs200393998, ClinGen allele CA399729392.

ClinVar aggregate classification (germline): Uncertain significance (1 of 4 stars; one submission).

Conditions:
Autosomal recessive severe congenital neutropenia due to G6PC3 deficiency. Also called: G6PC3 Deficiency; NEUTROPENIA, SEVERE CONGENITAL, 4, AUTOSOMAL RECESSIVE. Identifiers: Orphanet 331176, MedGen C2751630, MONDO:0012930, OMIM 612541.

gnomAD v4.1: 2 of 1,611,714 alleles (0.00012%); highest among the groups gnomAD compares: Non-Finnish European, 0.00017%; no homozygotes.

Submission:

Labcorp Genetics (formerly Invitae), Labcorp
Classification: Uncertain significance for Autosomal recessive severe congenital neutropenia due to G6PC3 deficiency. Last evaluated: 2022-07-19. Review status: criteria provided, single submitter. Criteria: Invitae Variant Classification Sherloc (09022015). Collection method: clinical testing. Allele origin: germline.
Comment: This sequence change replaces arginine, which is basic and polar, with glycine, which is neutral and non-polar, at codon 275 of the G6PC3 protein (p.Arg275Gly). This variant is not present in population databases (gnomAD no frequency). This variant has not been reported in the literature in individuals affected with G6PC3-related conditions. Algorithms developed to predict the effect of missense changes on protein structure and function (SIFT, PolyPhen-2, Align-GVGD) all suggest that this variant is likely to be tolerated. In summary, the available evidence is currently insufficient to determine the role of this variant in disease. Therefore, it has been classified as a Variant of Uncertain Significance.